The following is an entry in ClinVar:

NM_001199753.2(CPT1C):c.2178T>A (p.Asp726Glu)

Gene: CPT1C (carnitine palmitoyltransferase 1C; plus strand). Cytogenetic location: 19q13.33.
Variant type: single nucleotide variant.
Coding change: c.2178T>A on transcript NM_001199753.2 (MANE Select); coding-DNA position 2178, T replaced by A.
Protein change: p.Asp726Glu; replaces aspartic acid 726 with glutamic acid.
Molecular consequence: missense variant. On other transcripts: non-coding transcript variant (1).
Genome position (GRCh38, 1-based): chr19:49,713,016, T>A. VCF-style: chr19-49713016-T-A. GRCh37 (hg19) VCF-style: chr19-50216273-T-A.
Other names: c.2145T>A, p.Asp715Glu (NM_001136052.3, NM_001378485.1); c.2178T>A, p.Asp726Glu (NM_001199752.3, NM_001378483.1, NM_001378484.1 and 1 more transcripts); c.2244T>A, p.Asp748Glu (NM_001378482.1); c.2043T>A, p.Asp681Glu (NM_001378486.1, NM_001378488.1); c.2010T>A, p.Asp670Glu (NM_001378487.1); short protein forms D670E, D681E, D715E, D726E, D748E.
Identifiers: ClinVar variation 2867047 (VCV002867047.3), dbSNP rs368137235, ClinGen allele CA9582456.

ClinVar aggregate classification (germline): Uncertain significance (1 of 4 stars; one submission).

Conditions:
Hereditary spastic paraplegia 73. Also called: Spastic paraplegia 73, autosomal dominant. Identifiers: Orphanet 444099, MedGen C5568981, MONDO:0014568, OMIM 616282.

Allele frequency attached by ClinVar (database versions not stated): ExAC 0.00003; TOPMed 0.00007; gnomAD 0.00007; ESP Exome Variant Server 0.00008; gnomAD exomes 0.00015.
gnomAD v4.1: 222 of 1,613,956 alleles (0.014%); highest among the groups gnomAD compares: Non-Finnish European, 0.018%; no homozygotes.

Submission:

Labcorp Genetics (formerly Invitae), Labcorp
Classification: Uncertain significance for Hereditary spastic paraplegia 73. Last evaluated: 2025-02-10. Review status: criteria provided, single submitter. Criteria: Invitae Variant Classification Sherloc (09022015). Collection method: clinical testing. Allele origin: germline.
Comment: This sequence change replaces aspartic acid, which is acidic and polar, with glutamic acid, which is acidic and polar, at codon 715 of the CPT1C protein (p.Asp715Glu). This variant is present in population databases (rs368137235, gnomAD 0.01%). This variant has not been reported in the literature in individuals affected with CPT1C-related conditions. ClinVar contains an entry for this variant (Variation ID: 2867047). Invitae Evidence Modeling of protein sequence and biophysical properties (such as structural, functional, and spatial information, amino acid conservation, physicochemical variation, residue mobility, and thermodynamic stability) indicates that this missense variant is not expected to disrupt CPT1C protein function with a negative predictive value of 80%. In summary, the available evidence is currently insufficient to determine the role of this variant in disease. Therefore, it has been classified as a Variant of Uncertain Significance.